The following is an entry in ClinVar:

ClinVar aggregate classification (germline): Uncertain significance. Review status: criteria provided, multiple submitters, no conflicts (2 of 4 stars). 2 submissions from 2 submitters: Uncertain significance (2). Last evaluated 2026-01-16.

Conditions:
Neurodevelopmental disorder with or without hyperkinetic movements and seizures, autosomal dominant. Also called: Intellectual disability, autosomal dominant 8. Identifiers: MedGen C3280282, MONDO:0013655, OMIM 614254.

Allele frequency attached by ClinVar (database versions not stated): gnomAD 0.00001; TOPMed 0.00001; gnomAD exomes below 0.00001; ExAC 0.00001.
gnomAD v4.1: 2 of 1,613,410 alleles (0.00012%); highest among the groups gnomAD compares: Non-Finnish European, 0.00017%; no homozygotes.

Submissions (2):

Dasa
Classification: Uncertain significance. Last evaluated: 2026-01-16. Review status: criteria provided, single submitter. Criteria: DASA Assertion Criteria. Collection method: clinical testing. Allele origin: germline.
Comment: NM_007327.4(GRIN1):c.631G>A (p.Ala211Thr) is a missense variant that results in the substitution of alanine with threonine. This variant is rare in population databases. The currently available literature and clinical evidence are not sufficient to establish a definitive association between this variant and the reported condition. Therefore, this variant is classified as a variant of uncertain significance.

Labcorp Genetics (formerly Invitae), Labcorp
Classification: Uncertain significance for Neurodevelopmental disorder with or without hyperkinetic movements and seizures, autosomal dominant. Last evaluated: 2024-02-02. Review status: criteria provided, single submitter. Criteria: Invitae Variant Classification Sherloc (09022015). Collection method: clinical testing. Allele origin: germline.
Comment: This sequence change replaces alanine, which is neutral and non-polar, with threonine, which is neutral and polar, at codon 211 of the GRIN1 protein (p.Ala211Thr). This variant is not present in population databases (gnomAD no frequency). This variant has not been reported in the literature in individuals affected with GRIN1-related conditions. ClinVar contains an entry for this variant (Variation ID: 539841). Advanced modeling of protein sequence and biophysical properties (such as structural, functional, and spatial information, amino acid conservation, physicochemical variation, residue mobility, and thermodynamic stability) has been performed at Invitae for this missense variant, however the output from this modeling did not meet the statistical confidence thresholds required to predict the impact of this variant on GRIN1 protein function. In summary, the available evidence is currently insufficient to determine the role of this variant in disease. Therefore, it has been classified as a Variant of Uncertain Significance.

NM_007327.4(GRIN1):c.631G>A (p.Ala211Thr)

Gene: GRIN1 (glutamate ionotropic receptor NMDA type subunit 1; plus strand). Cytogenetic location: 9q34.3.
Variant type: single nucleotide variant.
Coding change: c.631G>A on transcript NM_007327.4 (MANE Select); coding-DNA position 631, G replaced by A.
Protein change: p.Ala211Thr; replaces alanine 211 with threonine.
Molecular consequence: missense variant.
Genome position (GRCh38, 1-based): chr9:137,149,069, G>A. VCF-style: chr9-137149069-G-A. GRCh37 (hg19) VCF-style: chr9-140043521-G-A.
Other names: c.631G>A, p.Ala211Thr (NM_000832.7, NM_021569.4); c.694G>A, p.Ala232Thr (NM_001185090.2, NM_001185091.2); short protein forms A211T, A232T.
Identifiers: ClinVar variation 539841 (VCV000539841.13), dbSNP rs768760751, ClinGen allele CA5360721.
Genomic context (GRCh38, chr9:137,149,069, plus strand): 5'-GCAGAGAAGGTGCTGCAGTTTGACCCAGGGACCAAGAACGTGACGGCCCTGCTGATGGAG[G>A]CGAAAGAGCTGGAGGCCCGGGTCATCATCCTTTCTGCCAGGTGAGGCTGGGCAGGGCCCT-3'
Protein context (NP_015566.1, residues 201-221): TKNVTALLME[Ala211Thr]KELEARVIIL